The following is an entry in ClinVar:

ClinVar aggregate classification (germline): Uncertain significance. Review status: criteria provided, multiple submitters, no conflicts (2 of 4 stars). 2 submissions from 2 submitters: Uncertain significance (2). Last evaluated 2025-02-14.

Allele frequency attached by ClinVar (database versions not stated): ExAC 0.00002.
gnomAD v4.1: 12 of 1,614,210 alleles (0.00074%); highest among the groups gnomAD compares: South Asian, 0.0099%; no homozygotes.

Submissions (2):

GeneDx
Classification: Uncertain significance. Last evaluated: 2025-02-14. Review status: criteria provided, single submitter. Criteria: GeneDx Variant Classification Process June 2021. Collection method: clinical testing. Allele origin: germline. Affected: yes.
Comment: Not observed at significant frequency in large population cohorts (gnomAD); In silico analysis supports that this missense variant has a deleterious effect on protein structure/function; Has not been previously published as pathogenic or benign to our knowledge

Labcorp Genetics (formerly Invitae), Labcorp
Classification: Uncertain significance. Last evaluated: 2022-05-17. Review status: criteria provided, single submitter. Criteria: Invitae Variant Classification Sherloc (09022015). Collection method: clinical testing. Allele origin: germline.
Comment: This sequence change replaces lysine, which is basic and polar, with glutamic acid, which is acidic and polar, at codon 175 of the PARS2 protein (p.Lys175Glu). This variant is present in population databases (rs774505231, gnomAD 0.006%). This variant has not been reported in the literature in individuals affected with PARS2-related conditions. Algorithms developed to predict the effect of missense changes on protein structure and function are either unavailable or do not agree on the potential impact of this missense change (SIFT: "Tolerated"; PolyPhen-2: "Possibly Damaging"; Align-GVGD: "Class C0"). In summary, the available evidence is currently insufficient to determine the role of this variant in disease. Therefore, it has been classified as a Variant of Uncertain Significance.

NM_152268.4(PARS2):c.523A>G (p.Lys175Glu)

Gene: PARS2 (prolyl-tRNA synthetase 2, mitochondrial; minus strand). Cytogenetic location: 1p32.3.
Variant type: single nucleotide variant.
Coding change: c.523A>G on transcript NM_152268.4 (MANE Select); coding-DNA position 523, A replaced by G.
Protein change: p.Lys175Glu; replaces lysine 175 with glutamic acid.
Molecular consequence: missense variant.
Genome position (GRCh38, 1-based): chr1:54,758,639, T>C on the plus strand (A>G on the coding strand, the complement: PARS2 is on the minus strand). VCF-style: chr1-54758639-T-C. GRCh37 (hg19) VCF-style: chr1-55224312-T-C.
Other names: c.523A>G (NM_152268.3); short protein forms K175E.
Identifiers: ClinVar variation 2056873 (VCV002056873.5), dbSNP rs774505231, ClinGen allele CA869465.